The following is an entry in ClinVar:

NM_014795.4(ZEB2):c.2563_2564del (p.Asn855fs)

Gene: ZEB2 (zinc finger E-box binding homeobox 2; minus strand). Cytogenetic location: 2q22.3.
Variant type: Deletion.
Coding change: c.2563_2564del on transcript NM_014795.4 (MANE Select); coding-DNA positions 2563 to 2564, 2 bases deleted (AA; older notation c.2563_2564delAA).
Protein change: p.Asn855fs; shifts the reading frame from asparagine 855.
Molecular consequence: frameshift variant.
Genome position (GRCh38, 1-based): chr2:144,398,623-144,398,624, TT deleted on the plus strand (AA on the coding strand, the reverse complement: ZEB2 is on the minus strand); deleting any 2 consecutive bases within chr2:144,398,623-144,398,626 gives the same sequence; the c. name uses the placement nearest the transcript's 3' end. VCF-style (leftmost placement, unchanged base first): chr2-144398622-GTT-G. GRCh37 (hg19) VCF-style: chr2-145156189-GTT-G.
Other names: c.2491_2492del, p.Asn831fs (NM_001171653.2); short protein forms N831fs, N855fs.
Identifiers: ClinVar variation 4814166 (VCV004814166.1).
Genomic context (GRCh38, chr2:144,398,622, plus strand): 5'-CAGATTATTTGAATTTGAAAATTCCTTCTTGATAAAAGTCAAGTTCAGAGGCTCATCTGA[GTT>G]TTCAGATGAGGAAGAAACACTGTTATGATCTAAACTGATGCTACTAGCTTTTGTTTTGTT-3'

ClinVar aggregate classification (germline): Likely pathogenic (1 of 4 stars; one submission).

Conditions:
Mowat-Wilson syndrome (MOWS). Also called: Classic Mowat-Wilson Syndrome. Identifiers: Orphanet 2152, MedGen C1856113, MONDO:0009341, OMIM 235730.

Submission:

OLLIN Analises Genomicas, OLLIN
Classification: Likely pathogenic for Mowat-Wilson syndrome. Last evaluated: 2025-08-19. Review status: criteria provided, single submitter. Criteria: ACMG Guidelines 2015 PMID 25741868. Collection method: clinical testing. Allele origin: germline. Affected: yes. Observed: 1 variant allele.
Comment: The frameshift variant (chr2:144398622GTT>G), located in exon 8 (of 10), is not reported in the gnomAD v4.1 non-UKB or ClinVar databases, nor was it found in the scientific literature. This variant promotes a change in the reading frame with subsequent introduction of a premature stop codon, resulting in a truncated protein or mRNA degradation via nonsense-mediated decay (NMD). According to currently available evidence, this variant has been classified as likely pathogenic (PVS1, PM2_P).